The following is an entry in ClinVar:

NM_001111.5(ADAR):c.*2623C>T

Gene: ADAR (adenosine deaminase RNA specific; minus strand). Cytogenetic location: 1q21.3.
Variant type: single nucleotide variant.
Coding change: c.*2623C>T on transcript NM_001111.5 (MANE Select); 2623 bases downstream of the stop codon, C replaced by T.
Molecular consequence: 3 prime UTR variant.
Genome position (GRCh38, 1-based): chr1:154,582,183, G>A on the plus strand (C>T on the coding strand, the complement: ADAR is on the minus strand). VCF-style: chr1-154582183-G-A. GRCh37 (hg19) VCF-style: chr1-154554659-G-A.
Other names: c.*2623C>T (LRG_1212t1, NM_001025107.3, NM_001193495.2 and 7 more transcripts).
Identifiers: ClinVar variation 292711 (VCV000292711.5), dbSNP rs112827019, ClinGen allele CA10608227.

ClinVar aggregate classification (germline): Benign (1 of 4 stars; one submission).

Conditions:
Symmetrical dyschromatosis of extremities (DSH). Also called: Dyschromatosis symmetrica hereditaria; DYSCHROMATOSIS SYMMETRICA HEREDITARIA 1; RETICULATE ACROPIGMENTATION OF DOHI; SYMMETRIC DYSCHROMATOSIS OF THE EXTREMITIES. Identifiers: Orphanet 41, MedGen C0406775, MONDO:0007483, OMIM 127400.

Allele frequency attached by ClinVar (database versions not stated): 1000 Genomes Project 30x 0.00047; 1000 Genomes Project 0.00060; TOPMed 0.00119; gnomAD 0.00110 and 0.00111.

Submission:

Illumina Laboratory Services, Illumina
Classification: Benign for Symmetrical dyschromatosis of extremities. Last evaluated: 2018-01-12. Review status: criteria provided, single submitter. Criteria: ICSL Variant Classification Criteria 13 December 2019. Collection method: clinical testing. Allele origin: germline.
Comment: This variant was observed in the ICSL laboratory as part of a predisposition screen in an ostensibly healthy population. It had not been previously curated by ICSL or reported in the Human Gene Mutation Database (HGMD: prior to June 1st, 2018), and was therefore a candidate for classification through an automated scoring system. Utilizing variant allele frequency, disease prevalence and penetrance estimates, and inheritance mode, an automated score was calculated to assess if this variant is too frequent to cause the disease. Based on the score and internal cut-off values, a variant classified as benign is not then subjected to further curation. The score for this variant resulted in a classification of benign for this disease.